The following is an entry in ClinVar:

NM_001377.3(DYNC2H1):c.9044A>G (p.Asp3015Gly)

Gene: DYNC2H1 (dynein cytoplasmic 2 heavy chain 1; plus strand). Cytogenetic location: 11q22.3.
Variant type: single nucleotide variant.
Coding change: c.9044A>G on transcript NM_001377.3 (MANE Select); coding-DNA position 9044, A replaced by G.
Protein change: p.Asp3015Gly; replaces aspartic acid 3015 with glycine.
Molecular consequence: missense variant.
Genome position (GRCh38, 1-based): chr11:103,220,720, A>G. VCF-style: chr11-103220720-A-G. GRCh37 (hg19) VCF-style: chr11-103091449-A-G.
Other names: c.9044A>G (NM_001377.2); c.9044A>G, p.Asp3015Gly (NM_001080463.2); short protein forms D3015G.
Identifiers: ClinVar variation 6503 (VCV000006503.53), dbSNP rs137853027, ClinGen allele CA210499.
Genomic context (GRCh38, chr11:103,220,720, plus strand): 5'-TTAAGCCCGAATCACTTTCAGAAATTCGCTCACTACGCATGCCACCTGATGTAATTAGAG[A>G]TATTCTTGAAGGAGTTTTAAGGTTGATGGGTATCTTTGATACATCTTGGGTGAGCATGAA-3'
Protein context (NP_001368.2, residues 3005-3025): SLRMPPDVIR[Asp3015Gly]ILEGVLRLMG

ClinVar aggregate classification (germline): Pathogenic/Likely pathogenic. Review status: criteria provided, multiple submitters, no conflicts (2 of 4 stars). 25 submissions from 25 submitters: Pathogenic (15); Likely pathogenic (3). 7 of the submissions do not count toward it. Last evaluated 2026-02-20.

Conditions:
DYNC2H1-related disorder. Also called: DYNC2H1-related disorders; DYNC2H1-related condition. Identifiers: MedGen CN378770.
Jeune thoracic dystrophy. Also called: Short-rib thoracic dysplasia; Jeune syndrome; Infantile thoracic dystrophy; Thoracic pelvic phalangeal dystrophy; Jeune's syndrome; Chondroectodermal dysplasia-like syndrome. Identifiers: Orphanet 474, MedGen C0265275, MONDO:0018770.
Asphyxiating thoracic dystrophy 3. Also called: SHORT-RIB THORACIC DYSPLASIA 3 WITH OR WITHOUT POLYDACTYLY; POLYDACTYLY WITH NEONATAL CHONDRODYSTROPHY, TYPE I; SHORT-RIB THORACIC DYSPLASIA 3/6 WITH POLYDACTYLY, DIGENIC; Short rib polydactyly syndrome 2B; Saldino-Noonan Syndrome. Identifiers: Orphanet 474, Orphanet 93269, Orphanet 93270, Orphanet 93271, MedGen C0036069, MONDO:0013127, OMIM 613091.
Fetal growth restriction (IUGR). Also called: Intra uterine growth retardation; Intrauterine growth restriction; Intrauterine growth retardation. Identifiers: MedGen C0015934, MONDO:0005030, HP:0001511.
Bowing of the long bones. Identifiers: MedGen C1855340, HP:0006487.
Narrow chest. Identifiers: MedGen C0426790, HP:0000774.

Allele frequency attached by ClinVar (database versions not stated): gnomAD exomes 0.00024; gnomAD 0.00026 and 0.00023; TOPMed 0.00025; ExAC 0.00026.
gnomAD v4.1: 392 of 1,612,940 alleles (0.024%); highest among the groups gnomAD compares: Non-Finnish European, 0.028%; no homozygotes.

Submissions 1 to 10 of 25:

Dasa
Classification: Pathogenic. Last evaluated: 2026-02-20. Review status: criteria provided, single submitter. Criteria: DASA Assertion Criteria. Collection method: clinical testing. Allele origin: germline.
Comment: NM_001377.3(DYNC2H1):c.9044A>G (p.Asp3015Gly) is a missense variant that results in the substitution of aspartic acid with glycine. Segregation evidence has been reported in affected families. This variant has been observed in affected individuals with related phenotype in a genotype context consistent with recessive disease (PMID: 23456818; PMID: 31935347; PMID: 30557390). Functional evidence supports a deleterious effect on the gene or gene product (PMID: 23456818; PMID: 31935347; PMID: 30557390). This variant has been recurrently observed in individuals with related phenotype (PMID: 23456818; PMID: 31935347; PMID: 30557390). Multiple computational predictions support a deleterious effect on the gene or gene product. The variant is present at low frequency in population datasets. Based on the available data, this variant is classified as pathogenic.

Labcorp Genetics (formerly Invitae), Labcorp
Classification: Pathogenic for Jeune thoracic dystrophy. Last evaluated: 2026-01-21. Review status: criteria provided, single submitter. Criteria: Invitae Variant Classification Sherloc (09022015). Collection method: clinical testing. Allele origin: germline.
Comment: This sequence change replaces aspartic acid, which is acidic and polar, with glycine, which is neutral and non-polar, at codon 3015 of the DYNC2H1 protein (p.Asp3015Gly). This variant is present in population databases (rs137853027, gnomAD 0.08%). This missense change has been observed in individual(s) with asphyxiating thoracic dystrophy (PMID: 23339108, 23456818, 29068549). In at least one individual the data is consistent with being in trans (on the opposite chromosome) from a pathogenic variant. It has also been observed to segregate with disease in related individuals. ClinVar contains an entry for this variant (Variation ID: 6503). Invitae Evidence Modeling of protein sequence and biophysical properties (such as structural, functional, and spatial information, amino acid conservation, physicochemical variation, residue mobility, and thermodynamic stability) indicates that this missense variant is expected to disrupt DYNC2H1 protein function with a positive predictive value of 95%. Algorithms developed to predict the effect of sequence changes on RNA splicing suggest that this variant may create or strengthen a splice site. For these reasons, this variant has been classified as Pathogenic.

Women's Health and Genetics/Laboratory Corporation of America, LabCorp
Classification: Pathogenic for Asphyxiating thoracic dystrophy 3. Last evaluated: 2025-12-15. Review status: criteria provided, single submitter. Criteria: LabCorp Variant Classification Summary - May 2015. Collection method: clinical testing. Allele origin: germline.
Comment: Variant summary: DYNC2H1 c.9044A>G (p.Asp3015Gly) results in a non-conservative amino acid change in the encoded protein sequence. Algorithms developed to predict the effect of missense changes on protein structure and function all suggest that this variant is likely to be disruptive. The variant allele was found at a frequency of 0.00024 in 248578 control chromosomes. This frequency is not significantly higher than estimated for disease-causing variants in DYNC2H1, allowing no conclusion about variant significance. c.9044A>G has been observed in multiple compound heterozygous individuals affected with Short-rib thoracic dysplasia (e.g. Zhang_2018, Schmidts_2013). These data indicate that the variant is very likely to be associated with disease. The following publications have been ascertained in the context of this evaluation (PMID: 23456818, 29068549). ClinVar contains an entry for this variant (Variation ID: 6503). Based on the evidence outlined above, the variant was classified as pathogenic.

GeneDx
Classification: Pathogenic. Last evaluated: 2025-06-26. Review status: criteria provided, single submitter. Criteria: GeneDx Variant Classification Process June 2021. Collection method: clinical testing. Allele origin: germline. Affected: yes.
Comment: In silico analyses support that this missense variant has a deleterious effect on protein structure/function and on splicing; This variant is associated with the following publications: (PMID: 19442771, 30557390, 28492532, 37595579, 34627339, 37236975, 31974414, 31935347, 23456818, 29068549, 23339108, 34426522, 33726816, 35627109, 38224688, 33249554)

Laboratory of Genetics, Children's Clinical University Hospital Latvia
Classification: Pathogenic. Last evaluated: 2025-02-16. Review status: criteria provided, single submitter. Criteria: ACMG Guidelines, 2015. Collection method: clinical testing. Allele origin: germline. Affected: yes.

Blueprint Genetics
Classification: Pathogenic for DYNC2H1-related disorders. Last evaluated: 2024-07-31. Review status: criteria provided, single submitter. Criteria: ACMG Guidelines, 2015. Collection method: clinical testing. Allele origin: germline. Affected: yes. Observed: 5 variant alleles.

Fulgent Genetics
Classification: Pathogenic for Asphyxiating thoracic dystrophy 3. Last evaluated: 2024-06-21. Review status: criteria provided, single submitter. Criteria: ACMG Guidelines, 2015. Collection method: clinical testing. Allele origin: germline.

ARUP Laboratories, Molecular Genetics and Genomics, ARUP Laboratories
Classification: Pathogenic for Asphyxiating thoracic dystrophy 3. Last evaluated: 2023-10-09. Review status: criteria provided, single submitter. Criteria: ARUP Molecular Germline Variant Investigation Process 2024. Collection method: clinical testing. Allele origin: germline.
Comment: The DYNC2H1 c.9044A>G; p.Asp3015Gly variant (rs137853027) has been described in the compound heterozygous state in several individuals affected with asphyxiating thoracic dystrophy (ATD; Baujat 2013, Dagoneau 2009, Schmidts 2013, Zhang 2018). It contains an entry in ClinVar (Variation ID: 6503), and is observed in the general population at an overall frequency of 0.026% (73/279976 alleles) in the Genome Aggregation Database. The aspartic acid at codon 3015 is highly conserved, and computational algorithms (PolyPhen-2, SIFT) predict that this variant is deleterious. Functional studies using fibroblasts from patients who harbor this variant demonstrate abnormal accumulation of anterograde transport proteins in the tips of cilia and disrupted intraflagellar transport (Schmidts 2013). Based on available information, this variant is considered pathogenic. REFERENCES Baujat G et al. Asphyxiating thoracic dysplasia: clinical and molecular review of 39 families. J Med Genet. 2013 Feb;50(2):91-8. Dagoneau N et al. DYNC2H1 mutations cause asphyxiating thoracic dystrophy and short rib-polydactyly syndrome, type III. Am J Hum Genet. 2009 May;84(5):706-11. Schmidts M et al. Exome sequencing identifies DYNC2H1 mutations as a common cause of asphyxiating thoracic dystrophy (Jeune syndrome) without major polydactyly, renal or retinal involvement. J Med Genet. 2013 May;50(5):309-23. Zhang W et al. Expanding the genetic architecture and phenotypic spectrum in the skeletal ciliopathies. Hum Mutat. 2018 Jan;39(1):152-166.

Revvity Omics, Revvity
Classification: Pathogenic for Asphyxiating thoracic dystrophy 3. Last evaluated: 2023-05-26. Review status: criteria provided, single submitter. Criteria: ACMG Guidelines, 2015. Collection method: clinical testing. Allele origin: germline.

Equipe Genetique des Anomalies du Developpement, Université de Bourgogne
Classification: Pathogenic for Asphyxiating thoracic dystrophy 3. Last evaluated: 2021-09-02. Review status: criteria provided, single submitter. Criteria: ACMG Guidelines, 2015. Collection method: clinical testing. Allele origin: paternal. Inheritance: Autosomal recessive inheritance. Affected: yes.
Comment: This variant was observed in compound heterozygosity with variant c.10109del